The following is an entry in ClinVar:

NM_001374353.1(GLI2):c.2028C>A (p.Asp676Glu)

Gene: GLI2 (GLI family zinc finger 2; plus strand). Cytogenetic location: 2q14.2.
Variant type: single nucleotide variant.
Coding change: c.2028C>A on transcript NM_001374353.1 (MANE Select); coding-DNA position 2028, C replaced by A.
Protein change: p.Asp676Glu; replaces aspartic acid 676 with glutamic acid.
Molecular consequence: missense variant.
Genome position (GRCh38, 1-based): chr2:120,986,400, C>A. VCF-style: chr2-120986400-C-A. GRCh37 (hg19) VCF-style: chr2-121743976-C-A.
Other names: c.2079C>A, p.Asp693Glu (NM_001371271.1, NM_005270.5); c.1653C>A, p.Asp551Glu (NM_001374354.1); short protein forms D676E, D551E, D693E.
Identifiers: ClinVar variation 2007365 (VCV002007365.4), dbSNP rs1682977158, ClinGen allele CA348163982.

ClinVar aggregate classification (germline): Uncertain significance (1 of 4 stars; one submission).

Conditions:
Postaxial polydactyly-anterior pituitary anomalies-facial dysmorphism syndrome. Also called: Culler-Jones syndrome. Identifiers: Orphanet 420584, MedGen C4014479, MONDO:0014369, OMIM 615849.
Holoprosencephaly 9 (HPE9). Also called: HOLOPROSENCEPHALY WITH MICROPHTHALMIA AND FIRST BRANCHIAL ARCH ANOMALIES; PITUITARY ANOMALIES WITH HOLOPROSENCEPHALY-LIKE FEATURES. Identifiers: Orphanet 2162, MedGen C1835819, MONDO:0012563, OMIM 610829.

gnomAD v4.1: 2 of 1,613,710 alleles (0.00012%); highest among the groups gnomAD compares: African/African-American, 0.0013%; no homozygotes.

Submission:

Labcorp Genetics (formerly Invitae), Labcorp
Classification: Uncertain significance for Postaxial polydactyly-anterior pituitary anomalies-facial dysmorphism syndrome; Holoprosencephaly 9. Last evaluated: 2022-08-19. Review status: criteria provided, single submitter. Criteria: Invitae Variant Classification Sherloc (09022015). Collection method: clinical testing. Allele origin: germline.
Comment: In summary, the available evidence is currently insufficient to determine the role of this variant in disease. Therefore, it has been classified as a Variant of Uncertain Significance. Algorithms developed to predict the effect of missense changes on protein structure and function are either unavailable or do not agree on the potential impact of this missense change (SIFT: "Tolerated"; PolyPhen-2: "Probably Damaging"; Align-GVGD: "Class C0"). This variant has not been reported in the literature in individuals affected with GLI2-related conditions. This variant is not present in population databases (gnomAD no frequency). This sequence change replaces aspartic acid, which is acidic and polar, with glutamic acid, which is acidic and polar, at codon 693 of the GLI2 protein (p.Asp693Glu).